The following is an entry in ClinVar:

ClinVar aggregate classification (germline): Uncertain significance. Review status: criteria provided, multiple submitters, no conflicts (2 of 4 stars). 2 submissions from 2 submitters: Uncertain significance (2). Last evaluated 2025-08-29.

Submissions (2):

Ambry Genetics
Classification: Uncertain significance. Last evaluated: 2025-08-29. Review status: criteria provided, single submitter. Criteria: Ambry Variant Classification Scheme 2023. Collection method: clinical testing. Allele origin: germline.

Labcorp Genetics (formerly Invitae), Labcorp
Classification: Uncertain significance. Last evaluated: 2024-02-01. Review status: criteria provided, single submitter. Criteria: Invitae Variant Classification Sherloc (09022015). Collection method: clinical testing. Allele origin: germline.
Comment: This sequence change replaces aspartic acid, which is acidic and polar, with valine, which is neutral and non-polar, at codon 638 of the ARHGEF1 protein (p.Asp638Val). This variant is not present in population databases (gnomAD no frequency). This variant has not been reported in the literature in individuals affected with ARHGEF1-related conditions. An algorithm developed to predict the effect of missense changes on protein structure and function (PolyPhen-2) suggests that this variant is likely to be disruptive. In summary, the available evidence is currently insufficient to determine the role of this variant in disease. Therefore, it has been classified as a Variant of Uncertain Significance.

NM_004706.4(ARHGEF1):c.1868A>T (p.Asp623Val)

Gene: ARHGEF1 (Rho guanine nucleotide exchange factor 1; plus strand). Cytogenetic location: 19q13.2.
Variant type: single nucleotide variant.
Coding change: c.1868A>T on transcript NM_004706.4 (MANE Select); coding-DNA position 1868, A replaced by T.
Protein change: p.Asp623Val; replaces aspartic acid 623 with valine.
Molecular consequence: missense variant. On other transcripts: non-coding transcript variant (2).
Genome position (GRCh38, 1-based): chr19:41,903,735, A>T. VCF-style: chr19-41903735-A-T. GRCh37 (hg19) VCF-style: chr19-42407887-A-T.
Other names: c.1913A>T (NM_199002.1); c.2036A>T, p.Asp679Val (NM_001396000.1); c.1769A>T, p.Asp590Val (NM_001396002.1, NM_001396004.1, NM_198977.2); c.1868A>T, p.Asp623Val (NM_001396003.1, NM_001396006.1); c.1913A>T, p.Asp638Val (NM_199002.2); short protein forms D623V, D638V, D679V, D590V.
Identifiers: ClinVar variation 2708425 (VCV002708425.4), dbSNP rs2513900449, ClinGen allele CA406063927.